The following is an entry in ClinVar:

ClinVar aggregate classification (germline): Uncertain significance (1 of 4 stars; one submission).

Conditions:
Developmental and epileptic encephalopathy, 42 (DEE42A). Also called: Epileptic encephalopathy, early infantile, 42; DEVELOPMENTAL AND EPILEPTIC ENCEPHALOPATHY 42A; EPILEPTIC ENCEPHALOPATHY, EARLY INFANTILE, 42A. Identifiers: MedGen C4310716, MONDO:0014917, OMIM 617106.
Episodic ataxia type 2 (EA2). Also called: EPISODIC ATAXIA, NYSTAGMUS-ASSOCIATED; ACETAZOLAMIDE-RESPONSIVE HEREDITARY PAROXYSMAL CEREBELLAR ATAXIA; ATAXIA, EPISODIC, WITH NYSTAGMUS; ATAXIA, FAMILIAL PAROXYSMAL; CEREBELLAR ATAXIA, PAROXYSMAL, ACETAZOLAMIDE-RESPONSIVE; CEREBELLOPATHY, HEREDITARY PAROXYSMAL. Identifiers: Orphanet 97, MedGen C1720416, MONDO:0007163, OMIM 108500.

Submission:

Labcorp Genetics (formerly Invitae), Labcorp
Classification: Uncertain significance for Developmental and epileptic encephalopathy, 42; Episodic ataxia type 2. Last evaluated: 2021-01-19. Review status: criteria provided, single submitter. Criteria: Invitae Variant Classification Sherloc (09022015). Collection method: clinical testing. Allele origin: germline.
Comment: In summary, the available evidence is currently insufficient to determine the role of this variant in disease. Therefore, it has been classified as a Variant of Uncertain Significance. Advanced modeling of protein sequence and biophysical properties (such as structural, functional, and spatial information, amino acid conservation, physicochemical variation, residue mobility, and thermodynamic stability) performed at Invitae indicates that this missense variant is not expected to disrupt CACNA1A protein function. This variant has not been reported in the literature in individuals with CACNA1A-related conditions. This variant is not present in population databases (ExAC no frequency). This sequence change replaces serine with phenylalanine at codon 1133 of the CACNA1A protein (p.Ser1133Phe). The serine residue is moderately conserved and there is a large physicochemical difference between serine and phenylalanine.

NM_001127222.2(CACNA1A):c.3395C>T (p.Ser1132Phe)

Gene: CACNA1A (calcium voltage-gated channel subunit alpha1 A; minus strand). Cytogenetic location: 19p13.13.
Variant type: single nucleotide variant.
Coding change: c.3395C>T on transcript NM_001127222.2 (MANE Select); coding-DNA position 3395, C replaced by T.
Protein change: p.Ser1132Phe; replaces serine 1132 with phenylalanine.
Molecular consequence: missense variant.
Genome position (GRCh38, 1-based): chr19:13,286,661, G>A on the plus strand (C>T on the coding strand, the complement: CACNA1A is on the minus strand). VCF-style: chr19-13286661-G-A. GRCh37 (hg19) VCF-style: chr19-13397475-G-A.
Other names: c.3407C>T, p.Ser1136Phe (NM_000068.4, NM_023035.3); c.3398C>T, p.Ser1133Phe (NM_001127221.2, NM_001174080.2); short protein forms S1132F, S1133F, S1136F.
Identifiers: ClinVar variation 1404331 (VCV001404331.8), dbSNP rs2144887797, ClinGen allele CA404341454.